The following is an entry in ClinVar:

ClinVar aggregate classification (germline): Likely pathogenic (1 of 4 stars; one submission).

Conditions:
Neurofibromatosis, type 1 (NF1). Also called: VON RECKLINGHAUSEN DISEASE; Neurofibromatosis, type I; NEUROFIBROMATOSIS, TYPE I, SOMATIC; Peripheral type neurofibromatosis. Identifiers: Orphanet 636, MedGen C0027831, MONDO:0018975, OMIM 162200. Disease mechanism: loss of function.

Submission:

3billion
Classification: Likely pathogenic for Neurofibromatosis, type 1. Last evaluated: 2024-07-16. Review status: criteria provided, single submitter. Criteria: ACMG Guidelines, 2015. Collection method: clinical testing. Allele origin: germline. Affected: yes.
Comment: The variant is not observed in the gnomAD v4.0.0 dataset. Predicted Consequence/Location: Frameshift: predicted to result in a loss or disruption of normal protein function through nonsense-mediated decay (NMD) or protein truncation. Multiple pathogenic variants are reported downstream of the variant. Therefore, this variant is classified as Likely pathogenic according to the recommendation of ACMG/AMP guideline.

NM_001042492.3(NF1):c.928dup (p.His310fs)

Gene: NF1 (neurofibromin 1; plus strand). Cytogenetic location: 17q11.2.
Variant type: Duplication.
Coding change: c.928dup on transcript NM_001042492.3 (MANE Select); coding-DNA position 928, one base duplicated (C; older notation c.928dupC).
Protein change: p.His310fs; shifts the reading frame from histidine 310.
Molecular consequence: frameshift variant.
Genome position (GRCh38, 1-based): chr17:31,200,461, C duplicated; the last of 2 consecutive C bases (chr17:31,200,460-31,200,461); duplicating either gives the same sequence. VCF-style (leftmost placement, unchanged base first): chr17-31200459-G-GC. GRCh37 (hg19) VCF-style: chr17-29527477-G-GC.
Other names: c.928dup, p.His310fs (NM_000267.4, NM_001128147.3); short protein forms H310fs.
Identifiers: ClinVar variation 4291756 (VCV004291756.1).